The following is an entry in ClinVar:

ClinVar aggregate classification (germline): Likely benign (1 of 4 stars; one submission).

Submission:

CeGaT Center for Human Genetics Tuebingen
Classification: Likely benign. Last evaluated: 2025-09-01. Review status: criteria provided, single submitter. Criteria: CeGaT Center For Human Genetics Tuebingen Variant Classification Criteria Version 2. Collection method: clinical testing. Allele origin: germline. Affected: yes. Observed: 1 variant allele.
Comment: PKD1: BP4, BP7

NM_001009944.3(PKD1):c.3828G>T (p.Ala1276=)

Gene: PKD1 (polycystin 1, transient receptor potential channel interacting; minus strand). Cytogenetic location: 16p13.3.
Variant type: single nucleotide variant.
Coding change: c.3828G>T on transcript NM_001009944.3 (MANE Select); coding-DNA position 3828, G replaced by T.
Protein change: p.Ala1276=; no amino-acid change (alanine 1276 retained).
Molecular consequence: synonymous variant.
Genome position (GRCh38, 1-based): chr16:2,111,339, C>A on the plus strand (G>T on the coding strand, the complement: PKD1 is on the minus strand). VCF-style: chr16-2111339-C-A. GRCh37 (hg19) VCF-style: chr16-2161340-C-A.
Other names: c.3828G>T, p.Ala1276= (NM_000296.4).
Identifiers: ClinVar variation 4280942 (VCV004280942.7).